The following is an entry in ClinVar:

ClinVar aggregate classification (germline): Likely pathogenic (1 of 4 stars; one submission).

Conditions:
Tyrosinemia type I (TYRSN1). Also called: Tyrosinemia type 1; Fumarylacetoacetase deficiency; Deficiency of fumarylacetoacetase; HEPATORENAL TYROSINEMIA; FAH DEFICIENCY. Identifiers: Orphanet 882, MedGen C0268490, MONDO:0010161, OMIM 276700. Disease mechanism: loss of function.

Submission:

Neuberg Centre For Genomic Medicine, NCGM
Classification: Likely pathogenic for Tyrosinemia type I. Review status: criteria provided, single submitter. Criteria: ACMG Guidelines, 2015. Collection method: clinical testing. Allele origin: germline. Inheritance: Autosomal recessive inheritance. Affected: yes.
Comment: The invariant splice acceptor c.961-2A>T variant in FAH gene has not been reported previously as a pathogenic variant nor a benign variant, to our knowledge. The c.961-2A>T variant is novel not in any individuals in gnomAD Exomes and 1000 Genomes. This variant has not been reported to the ClinVar database. Loss of function variants have been previously reported to be disease causing. For these reasons, this variant has been classified as Likely Pathogenic.

NM_000137.4(FAH):c.961-2A>T

Gene: FAH (fumarylacetoacetate hydrolase; plus strand). Cytogenetic location: 15q25.1.
Variant type: single nucleotide variant.
Coding change: c.961-2A>T on transcript NM_000137.4 (MANE Select); the canonical splice acceptor site of the intron before coding-DNA position 961, A replaced by T.
Molecular consequence: splice acceptor variant.
Genome position (GRCh38, 1-based): chr15:80,180,122, A>T. VCF-style: chr15-80180122-A-T. GRCh37 (hg19) VCF-style: chr15-80472464-A-T.
Other names: c.961-2A>T (NM_001374377.1, NM_001374380.1).
Identifiers: ClinVar variation 3234937 (VCV003234937.1), dbSNP rs1555442289, ClinGen allele CA393621635.
Genomic context (GRCh38, chr15:80,180,122, plus strand): 5'-GCCTCCGGGATGCTAGGCTAAGCCTGCCGCTGCTCATTCCACCTCGCGTCCATTGCCTGC[A>T]GTACATGTACTGGACGATGCTGCAGCAGCTCACTCACCACTCTGTCAACGGCTGCAACCT-3'